The following is an entry in ClinVar:

ClinVar aggregate classification (germline): Uncertain significance (1 of 4 stars; one submission).

Conditions:
Congenital glucose-galactose malabsorption (GGM). Also called: MONOSACCHARIDE MALABSORPTION; DIARRHEA 16. Identifiers: Orphanet 35710, MedGen C0268186, MONDO:0011731, OMIM 606824.

Allele frequency attached by ClinVar (database versions not stated): ExAC 0.00001; gnomAD 0.00001; gnomAD exomes 0.00001; TOPMed 0.00003; ESP Exome Variant Server 0.00015.
gnomAD v4.1: 30 of 1,613,506 alleles (0.0019%); highest among the groups gnomAD compares: African/African-American, 0.0027%; no homozygotes.

Submission:

Labcorp Genetics (formerly Invitae), Labcorp
Classification: Uncertain significance for Congenital glucose-galactose malabsorption. Last evaluated: 2022-07-12. Review status: criteria provided, single submitter. Criteria: Invitae Variant Classification Sherloc (09022015). Collection method: clinical testing. Allele origin: germline.
Comment: This sequence change replaces aspartic acid, which is acidic and polar, with asparagine, which is neutral and polar, at codon 454 of the SLC5A1 protein (p.Asp454Asn). This variant is present in population databases (rs202145392, gnomAD 0.007%). This variant has not been reported in the literature in individuals affected with SLC5A1-related conditions. ClinVar contains an entry for this variant (Variation ID: 1047261). Algorithms developed to predict the effect of missense changes on protein structure and function are either unavailable or do not agree on the potential impact of this missense change (SIFT: "Deleterious"; PolyPhen-2: "Benign"; Align-GVGD: "Class C15"). In summary, the available evidence is currently insufficient to determine the role of this variant in disease. Therefore, it has been classified as a Variant of Uncertain Significance.

NM_000343.4(SLC5A1):c.1360G>A (p.Asp454Asn)

Gene: SLC5A1 (solute carrier family 5 member 1; plus strand). Cytogenetic location: 22q12.3.
Variant type: single nucleotide variant.
Coding change: c.1360G>A on transcript NM_000343.4 (MANE Select); coding-DNA position 1360, G replaced by A.
Protein change: p.Asp454Asn; replaces aspartic acid 454 with asparagine.
Molecular consequence: missense variant.
Genome position (GRCh38, 1-based): chr22:32,099,262, G>A. VCF-style: chr22-32099262-G-A. GRCh37 (hg19) VCF-style: chr22-32495249-G-A.
Other names: c.979G>A, p.Asp327Asn (NM_001256314.2); short protein forms D454N, D327N.
Identifiers: ClinVar variation 1047261 (VCV001047261.4), dbSNP rs202145392, ClinGen allele CA10198220.